The following is an entry in ClinVar:

ClinVar aggregate classification (germline): Uncertain significance. Review status: criteria provided, single submitter (1 of 4 stars). 2 submissions from 2 submitters: Uncertain significance (1). 1 of the submissions does not count toward it. Last evaluated 2026-02-01.

Conditions:
Retinal dystrophy. Also called: Inherited retinal dystrophy. Identifiers: Orphanet 71862, MedGen C0854723, MeSH D058499, MONDO:0019118, HP:0000556.

gnomAD v4.1: 1 of 1,614,064 alleles (0.000062%); highest among the groups gnomAD compares: African/African-American, 0.0013%; no homozygotes.

Submissions (2):

CeGaT Center for Human Genetics Tuebingen
Classification: Uncertain significance. Last evaluated: 2026-02-01. Review status: criteria provided, single submitter. Criteria: CeGaT Center For Human Genetics Tuebingen Variant Classification Criteria Version 2. Collection method: clinical testing. Allele origin: germline. Affected: yes. Observed: 1 variant allele.
Comment: PRPF3: PM2, PP2, BP5

Institute of Human Genetics, Univ. Regensburg, Univ. Regensburg
Classification: Uncertain significance for Retinal dystrophy. Last evaluated: 2013-01-01. Review status: no assertion criteria provided. Criteria: ACMG Guidelines, 2015. Collection method: clinical testing. Allele origin: germline. Affected: yes. Not counted in ClinVar's aggregate classification.

NM_004698.4(PRPF3):c.1108C>T (p.Leu370Phe)

Gene: PRPF3 (pre-mRNA processing factor 3; plus strand). Cytogenetic location: 1q21.2.
Variant type: single nucleotide variant.
Coding change: c.1108C>T on transcript NM_004698.4 (MANE Select); coding-DNA position 1108, C replaced by T.
Protein change: p.Leu370Phe; replaces leucine 370 with phenylalanine.
Molecular consequence: missense variant. On other transcripts: non-coding transcript variant (4).
Genome position (GRCh38, 1-based): chr1:150,338,232, C>T. VCF-style: chr1-150338232-C-T. GRCh37 (hg19) VCF-style: chr1-150310708-C-T.
Other names: c.703C>T, p.Leu235Phe (NM_001350529.1); short protein forms L235F, L370F.
Identifiers: ClinVar variation 3249374 (VCV003249374.5).
Genomic context (GRCh38, chr1:150,338,232, plus strand): 5'-AAGCTACAGGCAGAGATTTCACAAGCAGCTCGAAAAACAGGCATCCATACTTCGACTAGG[C>T]TTGCCCTCATTGCTCCTAAGAAGGAGCTAAAGGAAGGAGATATTCCTGAAATTGAGTGGT-3'
Protein context (NP_004689.1, residues 360-380): RKTGIHTSTR[Leu370Phe]ALIAPKKELK